The following is an entry in ClinVar:

NM_004004.6(GJB2):c.217C>T (p.His73Tyr)

Gene: GJB2 (gap junction protein beta 2; minus strand). Cytogenetic location: 13q12.11.
Variant type: single nucleotide variant.
Coding change: c.217C>T on transcript NM_004004.6 (MANE Select); coding-DNA position 217, C replaced by T.
Protein change: p.His73Tyr; replaces histidine 73 with tyrosine.
Molecular consequence: missense variant.
Genome position (GRCh38, 1-based): chr13:20,189,365, G>A on the plus strand (C>T on the coding strand, the complement: GJB2 is on the minus strand). VCF-style: chr13-20189365-G-A. GRCh37 (hg19) VCF-style: chr13-20763504-G-A.
Other names: short protein forms H73Y.
Identifiers: ClinVar variation 4710063 (VCV004710063.1).
Genomic context (GRCh38, chr13:20,189,365, plus strand): 5'-TGGCCACTAGGAGCGCTGGCGTGGACACGAAGATCAGCTGCAGGGCCCATAGCCGGATGT[G>A]GGAGATGGGGAAGTAGTGATCGTAGCACACGTTCTTGCAGCCTGGCTGCAGGGTGTTGCA-3'
Protein context (NP_003995.2, residues 63-83): VCYDHYFPIS[His73Tyr]IRLWALQLIF

ClinVar aggregate classification (germline): Likely pathogenic (1 of 4 stars; one submission).

Submission:

Labcorp Genetics (formerly Invitae), Labcorp
Classification: Likely pathogenic. Last evaluated: 2026-01-19. Review status: criteria provided, single submitter. Criteria: Invitae Variant Classification Sherloc (09022015). Collection method: clinical testing. Allele origin: germline.
Comment: This sequence change replaces histidine, which is basic and polar, with tyrosine, which is neutral and polar, at codon 73 of the GJB2 protein (p.His73Tyr). This variant is not present in population databases (gnomAD no frequency). This missense change has been observed in individuals with nonsyndromic deafness (PMID: 31160754, 34599366, 38730444). Invitae Evidence Modeling of protein sequence and biophysical properties (such as structural, functional, and spatial information, amino acid conservation, physicochemical variation, residue mobility, and thermodynamic stability) indicates that this missense variant is expected to disrupt GJB2 protein function with a positive predictive value of 95%. In summary, the currently available evidence indicates that the variant is pathogenic, but additional data are needed to prove that conclusively. Therefore, this variant has been classified as Likely Pathogenic.

Literature cited by the submitters: PubMed 31160754; PubMed 34599366; PubMed 38730444.